The following is an entry in ClinVar:

NM_014141.6(CNTNAP2):c.3381+20T>C

Gene: CNTNAP2 (contactin associated protein 2; plus strand). Cytogenetic location: 7q36.1.
Variant type: single nucleotide variant.
Coding change: c.3381+20T>C on transcript NM_014141.6 (MANE Select); 20 bases into the intron after coding-DNA position 3381, T replaced by C.
Molecular consequence: intron variant.
Genome position (GRCh38, 1-based): chr7:148,229,799, T>C. VCF-style: chr7-148229799-T-C. GRCh37 (hg19) VCF-style: chr7-147926891-T-C.
Identifiers: ClinVar variation 136827 (VCV000136827.9), dbSNP rs587780902, ClinGen allele CA290186.

ClinVar aggregate classification (germline): Benign/Likely benign. Review status: criteria provided, multiple submitters, no conflicts (2 of 4 stars). 2 submissions from 2 submitters: Benign (1); Likely benign (1). Last evaluated 2026-01-28.

Conditions:
Cortical dysplasia-focal epilepsy syndrome (PTHSL1). Also called: Pitt-Hopkins-like syndrome 1. Identifiers: Orphanet 163681, Orphanet 221150, MedGen C2750246, MONDO:0012400, OMIM 610042.

Allele frequency attached by ClinVar (database versions not stated): ExAC 0.00006; gnomAD exomes 0.00010 and 0.00032; gnomAD 0.00011; TOPMed 0.00014.
gnomAD v4.1: 484 of 1,613,630 alleles (0.03%); highest among the groups gnomAD compares: Non-Finnish European, 0.039%; no homozygotes.

Submissions (2):

Labcorp Genetics (formerly Invitae), Labcorp
Classification: Likely benign for Cortical dysplasia-focal epilepsy syndrome. Last evaluated: 2026-01-28. Review status: criteria provided, single submitter. Criteria: Invitae Variant Classification Sherloc (09022015). Collection method: clinical testing. Allele origin: germline.

GeneDx
Classification: Benign. Last evaluated: 2014-05-30. Review status: criteria provided, single submitter. Criteria: GeneDx Variant Classification (06012015). Collection method: clinical testing. Allele origin: germline. Affected: yes.
Comment: This variant is considered likely benign or benign based on one or more of the following criteria: it is a conservative change, it occurs at a poorly conserved position in the protein, it is predicted to be benign by multiple in silico algorithms, and/or has population frequency not consistent with disease.